The following is an entry in ClinVar:

ClinVar aggregate classification (germline): Uncertain significance (1 of 4 stars; one submission).

Conditions:
Hereditary cancer-predisposing syndrome. Also called: Neoplastic Syndromes, Hereditary; Tumor predisposition; Hereditary neoplastic syndrome; Hereditary Cancer Syndrome. Identifiers: Orphanet 140162, MedGen C0027672, MeSH D009386, MONDO:0015356.

Submission:

Ambry Genetics
Classification: Uncertain significance for Hereditary cancer-predisposing syndrome. Last evaluated: 2026-07-06. Review status: criteria provided, single submitter. Criteria: Ambry Variant Classification Scheme 2023. Collection method: clinical testing. Allele origin: germline.
Comment: The p.T214I variant (also known as c.641C>T), located in coding exon 4 of the PALB2 gene, results from a C to T substitution at nucleotide position 641. The threonine at codon 214 is replaced by isoleucine, an amino acid with similar properties. This amino acid position is conserved. In addition, this alteration is predicted to be tolerated by in silico analysis. Based on the available evidence, the clinical significance of this variant remains unclear.

NM_024675.4(PALB2):c.641C>T (p.Thr214Ile)

Gene: PALB2 (partner and localizer of BRCA2; minus strand). Cytogenetic location: 16p12.2.
Variant type: single nucleotide variant.
Coding change: c.641C>T on transcript NM_024675.4 (MANE Select); coding-DNA position 641, C replaced by T.
Protein change: p.Thr214Ile; replaces threonine 214 with isoleucine.
Molecular consequence: missense variant. On other transcripts: 5 prime UTR variant (8), intron variant (3).
Genome position (GRCh38, 1-based): chr16:23,635,905, G>A on the plus strand (C>T on the coding strand, the complement: PALB2 is on the minus strand). VCF-style: chr16-23635905-G-A. GRCh37 (hg19) VCF-style: chr16-23647226-G-A.
Other names: c.581C>T, p.Thr194Ile (NM_001407296.1); c.641C>T, p.Thr214Ile (NM_001407297.1, NM_001407298.1, NM_001407299.1 and 3 more transcripts); c.-245C>T (NM_001407304.1, NM_001407305.1, NM_001407306.1 and 5 more transcripts); c.48+5205C>T (NM_001407314.1); c.-105+5205C>T (NM_001407313.1, NM_001407312.1); short protein forms T214I, T194I.
Identifiers: ClinVar variation 5026155 (VCV005026155.1).